The following is an entry in ClinVar:

ClinVar aggregate classification (germline): Likely benign. Review status: criteria provided, multiple submitters, no conflicts (2 of 4 stars). 3 submissions from 3 submitters: Likely benign (2). 1 of the submissions does not count toward it. Last evaluated 2025-12-20.

Conditions:
RNASEH2A-related disorder. Also called: RNASEH2A-related condition.
Aicardi-Goutieres syndrome 4. Identifiers: Orphanet 51, MedGen C1835912, MONDO:0012472, OMIM 610333.

Allele frequency attached by ClinVar (database versions not stated): gnomAD exomes 0.00001 and 0.00003; ExAC 0.00002; ESP Exome Variant Server 0.00008; gnomAD 0.00012 and 0.00014; TOPMed 0.00013.
gnomAD v4.1: 31 of 1,613,988 alleles (0.0019%); highest among the groups gnomAD compares: African/African-American, 0.035%; no homozygotes.

Submissions (3):

Labcorp Genetics (formerly Invitae), Labcorp
Classification: Likely benign for Aicardi-Goutieres syndrome 4. Last evaluated: 2025-12-20. Review status: criteria provided, single submitter. Criteria: Invitae Variant Classification Sherloc (09022015). Collection method: clinical testing. Allele origin: germline.

Blueprint Genetics
Classification: Likely benign. Last evaluated: 2022-09-06. Review status: criteria provided, single submitter. Criteria: ACMG Guidelines, 2015. Collection method: clinical testing. Allele origin: germline.

PreventionGenetics, part of Exact Sciences
Classification: Likely benign for RNASEH2A-related condition. Last evaluated: 2023-01-24. Review status: no assertion criteria provided. Collection method: clinical testing. Allele origin: germline. Not counted in ClinVar's aggregate classification.
Comment: This variant is classified as likely benign based on ACMG/AMP sequence variant interpretation guidelines (Richards et al. 2015 PMID: 25741868, with internal and published modifications).

NM_006397.3(RNASEH2A):c.200-8C>T

Gene: RNASEH2A (ribonuclease H2 subunit A; plus strand). Cytogenetic location: 19p13.13.
Variant type: single nucleotide variant.
Coding change: c.200-8C>T on transcript NM_006397.3 (MANE Select); 8 bases into the intron before coding-DNA position 200, C replaced by T.
Molecular consequence: intron variant.
Genome position (GRCh38, 1-based): chr19:12,807,198, C>T. VCF-style: chr19-12807198-C-T. GRCh37 (hg19) VCF-style: chr19-12918012-C-T.
Identifiers: ClinVar variation 743040 (VCV000743040.12), dbSNP rs370810663, ClinGen allele CA9231795.